The following is an entry in ClinVar:

NM_173494.2(DNAAF6):c.502C>T (p.Arg168Cys)

Gene: DNAAF6 (dynein axonemal assembly factor 6; plus strand). Cytogenetic location: Xq22.3.
Variant type: single nucleotide variant.
Coding change: c.502C>T on transcript NM_173494.2 (MANE Select); coding-DNA position 502, C replaced by T.
Protein change: p.Arg168Cys; replaces arginine 168 with cysteine.
Molecular consequence: missense variant.
Genome position (GRCh38, 1-based): chrX:107,238,994, C>T. VCF-style: chrX-107238994-C-T. GRCh37 (hg19) VCF-style: chrX-106482224-C-T.
Other names: c.502C>T, p.Arg168Cys (NM_001169154.2); short protein forms R168C.
Identifiers: ClinVar variation 562215 (VCV000562215.9), dbSNP rs775335375, ClinGen allele CA10484695.

ClinVar aggregate classification (germline): Uncertain significance. Review status: criteria provided, multiple submitters, no conflicts (2 of 4 stars). 2 submissions from 2 submitters: Uncertain significance (2). Last evaluated 2025-08-01.

Conditions:
Ciliary dyskinesia, primary, 36, X-linked (CILD36). Also called: CILIARY DYSKINESIA, PRIMARY, 36, WITH OR WITHOUT SITUS INVERSUS. Identifiers: MedGen C4478372, MONDO:0010517, OMIM 300991.

Allele frequency attached by ClinVar (database versions not stated): ExAC 0.00002; TOPMed 0.00003; gnomAD 0.00004 and 0.00005; gnomAD exomes 0.00005 and 0.00006.
gnomAD v4.1: 65 of 1,207,509 alleles (0.0054%); highest among the groups gnomAD compares: Non-Finnish European, 0.0066%; no homozygotes.

Submissions (2):

Labcorp Genetics (formerly Invitae), Labcorp
Classification: Uncertain significance. Last evaluated: 2025-08-01. Review status: criteria provided, single submitter. Criteria: Invitae Variant Classification Sherloc (09022015). Collection method: clinical testing. Allele origin: germline.
Comment: This sequence change replaces arginine, which is basic and polar, with cysteine, which is neutral and slightly polar, at codon 168 of the PIH1D3 protein (p.Arg168Cys). The frequency data for this variant in the population databases is considered unreliable, as metrics indicate poor data quality at this position in the gnomAD database. This variant has not been reported in the literature in individuals affected with PIH1D3-related conditions. ClinVar contains an entry for this variant (Variation ID: 562215). An algorithm developed to predict the effect of missense changes on protein structure and function (PolyPhen-2) suggests that this variant is likely to be disruptive. In summary, the available evidence is currently insufficient to determine the role of this variant in disease. Therefore, it has been classified as a Variant of Uncertain Significance.

Mayo Clinic Laboratories, Mayo Clinic
Classification: Uncertain significance for Ciliary dyskinesia, primary, 36, X-linked. Last evaluated: 2018-07-10. Review status: criteria provided, single submitter. Criteria: ACMG Guidelines, 2015. Collection method: clinical testing. Allele origin: maternal.